The following is an entry in ClinVar:

NM_020975.6(RET):c.2295C>T (p.Ser765=)

Gene: RET (ret proto-oncogene; plus strand). Cytogenetic location: 10q11.21.
Variant type: single nucleotide variant.
Coding change: c.2295C>T on transcript NM_020975.6 (MANE Select); coding-DNA position 2295, C replaced by T.
Protein change: p.Ser765=; no amino-acid change (serine 765 retained).
Molecular consequence: synonymous variant.
Genome position (GRCh38, 1-based): chr10:43,118,383, C>T. VCF-style: chr10-43118383-C-T. GRCh37 (hg19) VCF-style: chr10-43613831-C-T.
Other names: c.1533C>T, p.Ser511= (NM_001355216.2); c.2295C>T, p.Ser765= (NM_001406743.1, NM_001406744.1, NM_001406759.1 and 2 more transcripts); c.2166C>T, p.Ser722= (NM_001406761.1, NM_001406762.1, NM_001406764.1); c.2160C>T, p.Ser720= (NM_001406763.1, NM_001406765.1); c.2007C>T, p.Ser669= (NM_001406766.1, NM_001406767.1, NM_001406770.1); c.2031C>T, p.Ser677= (NM_001406768.1); c.1899C>T, p.Ser633= (NM_001406769.1, NM_001406772.1); c.1857C>T, p.Ser619= (NM_001406771.1, NM_001406773.1); and 10 more.
Identifiers: ClinVar variation 3904583 (VCV003904583.1).

ClinVar aggregate classification (germline): Benign (1 of 4 stars; one submission).

Conditions:
Multiple endocrine neoplasia type 2A. Also called: Multiple Endocrine Neoplasia Type 2A (MEN2A); MULTIPLE ENDOCRINE NEOPLASIA, TYPE IIA; PTC SYNDROME; SIPPLE SYNDROME; MEN 2A; MEN-2A syndrome. Identifiers: Orphanet 247698, Orphanet 653, MedGen C0025268, MeSH D018813, MONDO:0008234, OMIM 171400.

gnomAD v4.1: 1 of 1,613,932 alleles (0.000062%); highest among the groups gnomAD compares: South Asian, 0.0011%; no homozygotes.

Submission:

Myriad Genetics, Inc.
Classification: Benign for Multiple endocrine neoplasia type 2A. Last evaluated: 2025-02-26. Review status: criteria provided, single submitter. Criteria: Myriad Autosomal Dominant, Autosomal Recessive and X-Linked Classification Criteria (2023). Collection method: clinical testing. Allele origin: unknown.
Comment: This variant is considered benign. This variant is a silent/synonymous amino acid change and it is not expected to impact splicing.